The following is an entry in ClinVar:

ClinVar aggregate classification (germline): Uncertain significance (1 of 4 stars; one submission).

Conditions:
Inborn genetic diseases. Identifiers: MedGen C0950123, MeSH D030342.

Submission:

Ambry Genetics
Classification: Uncertain significance for Inborn genetic diseases. Last evaluated: 2025-08-25. Review status: criteria provided, single submitter. Criteria: Ambry Variant Classification Scheme 2023. Collection method: clinical testing. Allele origin: germline.
Comment: The p.A813V variant (also known as c.2438C>T), located in coding exon 20 of the KDM1A gene, results from a C to T substitution at nucleotide position 2438. The alanine at codon 813 is replaced by valine, an amino acid with similar properties. This amino acid position is conserved. In addition, this alteration is predicted to be tolerated by in silico analysis. Based on the available evidence, the clinical significance of this variant remains unclear.

NM_001009999.3(KDM1A):c.2438C>T (p.Ala813Val)

Gene: KDM1A (lysine demethylase 1A; plus strand). Cytogenetic location: 1p36.12.
Variant type: single nucleotide variant.
Coding change: c.2438C>T on transcript NM_001009999.3 (MANE Select); coding-DNA position 2438, C replaced by T.
Protein change: p.Ala813Val; replaces alanine 813 with valine.
Molecular consequence: missense variant.
Genome position (GRCh38, 1-based): chr1:23,082,359, C>T. VCF-style: chr1-23082359-C-T. GRCh37 (hg19) VCF-style: chr1-23408852-C-T.
Other names: c.2384C>T, p.Ala795Val (NM_001363654.2); c.2444C>T, p.Ala815Val (NM_001410762.1); c.2366C>T, p.Ala789Val (NM_001410763.1, NM_015013.4); short protein forms A815V, A789V, A795V, A813V.
Identifiers: ClinVar variation 4091102 (VCV004091102.1).
Genomic context (GRCh38, chr1:23,082,359, plus strand): 5'-CTGGAAATGACTATGATTTAATGGCTCAGCCAATCACTCCTGGCCCCTCGATTCCAGGTG[C>T]CCCACAGGTGAGAAGCTGGCAAACTATCTGGGCTTATTTGGGAAGAGGCCAGGATCTCAT-3'
Protein context (NP_001009999.1, residues 803-823): PITPGPSIPG[Ala813Val]PQPIPRLFFA